The following is an entry in ClinVar:

ClinVar aggregate classification (germline): Uncertain significance (1 of 4 stars; one submission).

Conditions:
Bloom syndrome (BLM). Also called: Bloom-Torre-Machacek syndrome. Identifiers: Orphanet 125, MedGen C0005859, MONDO:0008876, OMIM 210900.

Submission:

Labcorp Genetics (formerly Invitae), Labcorp
Classification: Uncertain significance for Bloom syndrome. Last evaluated: 2025-01-29. Review status: criteria provided, single submitter. Criteria: Invitae Variant Classification Sherloc (09022015). Collection method: clinical testing. Allele origin: germline.
Comment: This sequence change replaces leucine, which is neutral and non-polar, with proline, which is neutral and non-polar, at codon 401 of the BLM protein (p.Leu401Pro). This variant is not present in population databases (gnomAD no frequency). This variant has not been reported in the literature in individuals affected with BLM-related conditions. Invitae Evidence Modeling of protein sequence and biophysical properties (such as structural, functional, and spatial information, amino acid conservation, physicochemical variation, residue mobility, and thermodynamic stability) indicates that this missense variant is not expected to disrupt BLM protein function with a negative predictive value of 80%. In summary, the available evidence is currently insufficient to determine the role of this variant in disease. Therefore, it has been classified as a Variant of Uncertain Significance.

NM_000057.4(BLM):c.1202T>C (p.Leu401Pro)

Gene: BLM (BLM RecQ like helicase; plus strand). Cytogenetic location: 15q26.1.
Variant type: single nucleotide variant.
Coding change: c.1202T>C on transcript NM_000057.4 (MANE Select); coding-DNA position 1202, T replaced by C.
Protein change: p.Leu401Pro; replaces leucine 401 with proline.
Molecular consequence: missense variant.
Genome position (GRCh38, 1-based): chr15:90,760,261, T>C. VCF-style: chr15-90760261-T-C. GRCh37 (hg19) VCF-style: chr15-91303491-T-C.
Other names: c.1202T>C, p.Leu401Pro (NM_001287246.2, NM_001287247.2); c.77T>C, p.Leu26Pro (NM_001287248.2); short protein forms L26P, L401P.
Identifiers: ClinVar variation 3683911 (VCV003683911.2).